The following is an entry in ClinVar:

NM_001085411.3(NADK2):c.921G>A (p.Gly307=)

Gene: NADK2 (NAD kinase 2, mitochondrial; minus strand). Cytogenetic location: 5p13.2.
Variant type: single nucleotide variant.
Coding change: c.921G>A on transcript NM_001085411.3 (MANE Select); coding-DNA position 921, G replaced by A.
Protein change: p.Gly307=; no amino-acid change (glycine 307 retained).
Molecular consequence: synonymous variant.
Genome position (GRCh38, 1-based): chr5:36,207,205, C>T on the plus strand (G>A on the coding strand, the complement: NADK2 is on the minus strand). VCF-style: chr5-36207205-C-T. GRCh37 (hg19) VCF-style: chr5-36207307-C-T.
Other names: c.432G>A, p.Gly144= (NM_001287340.2, NM_153013.5); c.498G>A, p.Gly166= (NM_001287341.2).
Identifiers: ClinVar variation 4823526 (VCV004823526.4).

ClinVar aggregate classification (germline): Likely benign (1 of 4 stars; one submission).

gnomAD v4.1: 2 of 1,613,200 alleles (0.00012%); highest among the groups gnomAD compares: Non-Finnish European, 0.00017%; no homozygotes.

Submission:

CeGaT Center for Human Genetics Tuebingen
Classification: Likely benign. Last evaluated: 2026-03-01. Review status: criteria provided, single submitter. Criteria: CeGaT Center For Human Genetics Tuebingen Variant Classification Criteria Version 2. Collection method: clinical testing. Allele origin: germline. Affected: yes. Observed: 1 variant allele.
Comment: NADK2: BP4, BP7